The following is an entry in ClinVar:

ClinVar aggregate classification (germline): Pathogenic. Review status: reviewed by expert panel (3 of 4 stars). 3 submissions from 3 submitters: Pathogenic (1). 2 of the submissions do not count toward it. Last evaluated 2017-12-15.

Conditions:
Hereditary cancer-predisposing syndrome. Also called: Tumor predisposition; Hereditary Cancer Syndrome; Hereditary neoplastic syndrome; Neoplastic Syndromes, Hereditary. Identifiers: Orphanet 140162, MedGen C0027672, MeSH D009386, MONDO:0015356.
Hereditary breast ovarian cancer syndrome. Also called: Hereditary breast and ovarian cancer; Breast and ovarian cancer; BRCA1- and BRCA2-Associated Hereditary Breast and Ovarian Cancer; Hereditary breast and ovarian cancer syndrome; Hereditary breast and ovarian cancer syndrome (HBOC); Hereditary breast and/or ovarian cancer syndrome. Identifiers: Orphanet 145, MedGen C0677776, MeSH D061325, MONDO:0003582. Disease mechanism: loss of function.
Breast-ovarian cancer, familial, susceptibility to, 2 (BROVCA2). Also called: BRCA2 Hereditary Breast and Ovarian Cancer. Identifiers: Orphanet 145, MedGen C2675520, MONDO:0012933, OMIM 612555. Disease mechanism: loss of function.

Submissions (3):

Evidence-based Network for the Interpretation of Germline Mutant Alleles (ENIGMA)
Classification: Pathogenic for Breast-ovarian cancer, familial, susceptibility to, 2. Last evaluated: 2017-12-15. Review status: reviewed by expert panel. Criteria: ENIGMA BRCA1/2 Classification Criteria (2017-06-29). Collection method: curation. Allele origin: germline. Study: ENIGMA.
Comment: Variant allele predicted to encode a truncated non-functional protein.

Labcorp Genetics (formerly Invitae), Labcorp
Classification: Pathogenic for Hereditary breast ovarian cancer syndrome. Last evaluated: 2025-03-19. Review status: criteria provided, single submitter. Criteria: Invitae Variant Classification Sherloc (09022015). Collection method: clinical testing. Allele origin: germline. Not counted in ClinVar's aggregate classification.
Comment: This sequence change creates a premature translational stop signal (p.Met2235Phefs*5) in the BRCA2 gene. It is expected to result in an absent or disrupted protein product. Loss-of-function variants in BRCA2 are known to be pathogenic (PMID: 20104584). This variant is not present in population databases (gnomAD no frequency). This premature translational stop signal has been observed in individual(s) with breast cancer (PMID: 28724667, 29752822). This variant is also known as c.6698_c.6699insTTTT. ClinVar contains an entry for this variant (Variation ID: 233640). For these reasons, this variant has been classified as Pathogenic.

Ambry Genetics
Classification: Pathogenic for Hereditary cancer-predisposing syndrome. Last evaluated: 2015-08-31. Review status: criteria provided, single submitter. Criteria: Ambry Variant Classification Scheme 2023. Collection method: clinical testing. Allele origin: germline. Not counted in ClinVar's aggregate classification.
Comment: The c.6699_6702dupTTTT pathogenic mutation (also known as 6927ins4), located in coding exon 10 of the BRCA2 gene, results from a duplication of 4 nucleotides at positions 6699 to 6702, causing a translational frameshift with a predicted alternate stop codon. Since frameshifts are typically deleterious in nature, this alteration is interpreted as a disease-causing mutation (ACMG Recommendations for Standards for Interpretation and Reporting of Sequence Variations. Revision 2007. Genet Med. 2008;10:294).

Literature cited by the submitters: PubMed 20104584 (cited by Labcorp Genetics (formerly Invitae), Labcorp); PubMed 28724667 (cited by Labcorp Genetics (formerly Invitae), Labcorp); PubMed 29752822 (cited by Labcorp Genetics (formerly Invitae), Labcorp).

NM_000059.4(BRCA2):c.6699_6702dup (p.Met2235fs)

Gene: BRCA2 (BRCA2 DNA repair associated; plus strand). Cytogenetic location: 13q13.1.
Variant type: Duplication.
Coding change: c.6699_6702dup on transcript NM_000059.4 (MANE Select); coding-DNA positions 6699 to 6702, 4 bases duplicated (TTTT; older notation c.6699_6702dupTTTT).
Protein change: p.Met2235fs; shifts the reading frame from methionine 2235.
Molecular consequence: frameshift variant.
Genome position (GRCh38, 1-based): chr13:32,341,054-32,341,057, TTTT duplicated. VCF-style (leftmost placement, unchanged base first): chr13-32341053-C-CTTTT. GRCh37 (hg19) VCF-style: chr13-32915190-C-CTTTT.
Other names: c.6699_6702dupTTTT (NM_000059.3); short protein forms M2235fs.
Identifiers: ClinVar variation 233640 (VCV000233640.17), dbSNP rs587781516, ClinGen allele CA10579705.
Genomic context (GRCh38, chr13:32,341,053, plus strand): 5'-CTACTTACTCCAAAGATTCAGAAAACTACTTTGAAACAGAAGCAGTAGAAATTGCTAAAG[C>CTTTT]TTTTATGGAAGATGATGAACTGACAGATTCTAAACTGCCAAGTCATGCCACACATTCTCT-3'